The following is an entry in ClinVar:

NM_001080414.4(CCDC88C):c.1800G>A (p.Thr600=)

Gene: CCDC88C (coiled-coil and HOOK domain protein 88C; minus strand). Cytogenetic location: 14q32.11.
Variant type: single nucleotide variant.
Coding change: c.1800G>A on transcript NM_001080414.4 (MANE Select); coding-DNA position 1800, G replaced by A.
Protein change: p.Thr600=; no amino-acid change (threonine 600 retained).
Molecular consequence: synonymous variant.
Genome position (GRCh38, 1-based): chr14:91,314,016, C>T on the plus strand (G>A on the coding strand, the complement: CCDC88C is on the minus strand). VCF-style: chr14-91314016-C-T. GRCh37 (hg19) VCF-style: chr14-91780360-C-T.
Identifiers: ClinVar variation 3021861 (VCV003021861.22), dbSNP rs774165990, ClinGen allele CA7309804.

ClinVar aggregate classification (germline): Likely benign. Review status: criteria provided, multiple submitters, no conflicts (2 of 4 stars). 2 submissions from 2 submitters: Likely benign (2). Last evaluated 2025-07-09.

Allele frequency attached by ClinVar (database versions not stated): gnomAD 0.00007; gnomAD exomes 0.00011; ExAC 0.00003; TOPMed 0.00006.
gnomAD v4.1: 167 of 1,613,782 alleles (0.01%); highest among the groups gnomAD compares: Non-Finnish European, 0.013%; no homozygotes.

Submissions (2):

Labcorp Genetics (formerly Invitae), Labcorp
Classification: Likely benign. Last evaluated: 2025-07-09. Review status: criteria provided, single submitter. Criteria: Invitae Variant Classification Sherloc (09022015). Collection method: clinical testing. Allele origin: germline.

CeGaT Center for Human Genetics Tuebingen
Classification: Likely benign. Last evaluated: 2024-04-01. Review status: criteria provided, single submitter. Criteria: CeGaT Center For Human Genetics Tuebingen Variant Classification Criteria Version 2. Collection method: clinical testing. Allele origin: germline. Affected: yes. Observed: 1 variant allele.
Comment: CCDC88C: BP4, BP7